The following is an entry in ClinVar:

NM_000642.3(AGL):c.2053T>G (p.Leu685Val)

Gene: AGL (amylo-alpha-1,6-glucosidase and 4-alpha-glucanotransferase; plus strand). Cytogenetic location: 1p21.2.
Variant type: single nucleotide variant.
Coding change: c.2053T>G on transcript NM_000642.3 (MANE Select); coding-DNA position 2053, T replaced by G.
Protein change: p.Leu685Val; replaces leucine 685 with valine.
Molecular consequence: missense variant.
Genome position (GRCh38, 1-based): chr1:99,881,343, T>G. VCF-style: chr1-99881343-T-G. GRCh37 (hg19) VCF-style: chr1-100346899-T-G.
Other names: c.2053T>G, p.Leu685Val (NM_000028.3, NM_000643.3, NM_000644.3 and 2 more transcripts); c.2005T>G, p.Leu669Val (NM_000646.3); c.1852T>G, p.Leu618Val (NM_001425327.1); c.1849T>G, p.Leu617Val (NM_001425328.1, NM_001425329.1); c.1675T>G, p.Leu559Val (NM_001425332.1); short protein forms L685V, L669V, L559V, L617V, L618V.
Identifiers: ClinVar variation 934658 (VCV000934658.9), dbSNP rs780518752, ClinGen allele CA966683.

ClinVar aggregate classification (germline): Uncertain significance. Review status: criteria provided, multiple submitters, no conflicts (2 of 4 stars). 2 submissions from 2 submitters: Uncertain significance (2). Last evaluated 2024-11-05.

Conditions:
Glycogen storage disease type III (GSD3). Also called: Cori disease; FORBES DISEASE. Identifiers: Orphanet 366, MedGen C0017922, MONDO:0009291, OMIM 232400.

Allele frequency attached by ClinVar (database versions not stated): gnomAD exomes below 0.00001 and 0.00001; ExAC 0.00001; gnomAD 0.00001 and 0.00002; TOPMed 0.00002.
gnomAD v4.1: 4 of 1,614,018 alleles (0.00025%); highest among the groups gnomAD compares: African/African-American, 0.004%; no homozygotes.

Submissions (2):

ARUP Laboratories, Molecular Genetics and Genomics, ARUP Laboratories
Classification: Uncertain significance. Last evaluated: 2024-11-05. Review status: criteria provided, single submitter. Criteria: ARUP Molecular Germline Variant Investigation Process 2024. Collection method: clinical testing. Allele origin: germline.
Comment: The AGL c.2053T>G; p.Leu685Val variant (rs780518752), to our knowledge, is not reported in the medical literature but is reported in ClinVar (Variation ID: 934658). This variant is found in the African/African-American population with an allele frequency of 0.012% (3/282086 alleles) in the Genome Aggregation Database (v2.1.1). Computational analyses are uncertain whether this variant is neutral or deleterious (REVEL: 0.152). Due to limited information, the clinical significance of this variant is uncertain at this time.

Labcorp Genetics (formerly Invitae), Labcorp
Classification: Uncertain significance for Glycogen storage disease type III. Last evaluated: 2022-03-09. Review status: criteria provided, single submitter. Criteria: Invitae Variant Classification Sherloc (09022015). Collection method: clinical testing. Allele origin: germline.
Comment: In summary, the available evidence is currently insufficient to determine the role of this variant in disease. Therefore, it has been classified as a Variant of Uncertain Significance. Algorithms developed to predict the effect of missense changes on protein structure and function (SIFT, PolyPhen-2, Align-GVGD) all suggest that this variant is likely to be tolerated. ClinVar contains an entry for this variant (Variation ID: 934658). This variant has not been reported in the literature in individuals affected with AGL-related conditions. This variant is present in population databases (rs780518752, gnomAD 0.02%). This sequence change replaces leucine, which is neutral and non-polar, with valine, which is neutral and non-polar, at codon 685 of the AGL protein (p.Leu685Val).